The following is an entry in ClinVar:

NM_001110556.2(FLNA):c.6875C>T (p.Ser2292Phe)

Gene: FLNA (filamin A; minus strand). Cytogenetic location: Xq28.
Variant type: single nucleotide variant.
Coding change: c.6875C>T on transcript NM_001110556.2 (MANE Select); coding-DNA position 6875, C replaced by T.
Protein change: p.Ser2292Phe; replaces serine 2292 with phenylalanine.
Molecular consequence: missense variant.
Genome position (GRCh38, 1-based): chrX:154,351,916, G>A on the plus strand (C>T on the coding strand, the complement: FLNA is on the minus strand). VCF-style: chrX-154351916-G-A. GRCh37 (hg19) VCF-style: chrX-153580284-G-A.
Other names: c.6851C>T, p.Ser2284Phe (NM_001456.4); short protein forms S2284F, S2292F.
Identifiers: ClinVar variation 435211 (VCV000435211.15), dbSNP rs1557175878, ClinGen allele CA415186278.

ClinVar aggregate classification (germline): Uncertain significance. Review status: criteria provided, multiple submitters, no conflicts (2 of 4 stars). 2 submissions from 2 submitters: Uncertain significance (2). Last evaluated 2019-07-03.

Conditions:
Heterotopia, periventricular, X-linked dominant (PVNH1). Also called: PERIVENTRICULAR NODULAR HETEROTOPIA 4; HETEROTOPIA, PERIVENTRICULAR, 1; PERIVENTRICULAR NODULAR HETEROTOPIA 1; X-linked periventricular heterotopia. Identifiers: Orphanet 2149, Orphanet 82004, MedGen C1848213, MONDO:0010233, OMIM 300049.
Oto-palato-digital syndrome, type II (OPD2). Also called: Otopalatodigital Syndrome, Type II; Otopalatodigital Syndrome Type 2 (FLNA-OPD2); FACIOPALATOOSSEOUS SYNDROME; OPD II SYNDROME. Identifiers: Orphanet 669, Orphanet 90652, MedGen C1844696, MONDO:0010571, OMIM 304120.
Frontometaphyseal dysplasia (FMD1). Identifiers: Orphanet 1826, MedGen C0265293, MONDO:0015942.
Melnick-Needles syndrome (MNS). Also called: Melnick-Needles Syndrome (FLNA-MNS); MELNICK-NEEDLES OSTEODYSPLASTY; OSTEODYSPLASTY OF MELNICK AND NEEDLES. Identifiers: Orphanet 2484, MedGen C0025237, MONDO:0010650, OMIM 309350.

Allele frequency attached by ClinVar (database versions not stated): gnomAD exomes below 0.00001.
gnomAD v4.1: 1 of 1,211,699 alleles (0.000083%); highest among the groups gnomAD compares: East Asian, 0.003%; no homozygotes.

Submissions (2):

Labcorp Genetics (formerly Invitae), Labcorp
Classification: Uncertain significance for Oto-palato-digital syndrome, type II; Heterotopia, periventricular, X-linked dominant; Frontometaphyseal dysplasia; Melnick-Needles syndrome. Last evaluated: 2019-07-03. Review status: criteria provided, single submitter. Criteria: Invitae Variant Classification Sherloc (09022015). Collection method: clinical testing. Allele origin: germline.
Comment: This sequence change replaces serine with phenylalanine at codon 2284 of the FLNA protein (p.Ser2284Phe). The serine residue is highly conserved and there is a large physicochemical difference between serine and phenylalanine. This variant is not present in population databases (ExAC no frequency). This variant has not been reported in the literature in individuals with FLNA-related conditions. ClinVar contains an entry for this variant (Variation ID: 435211). Algorithms developed to predict the effect of missense changes on protein structure and function (SIFT, PolyPhen-2, Align-GVGD) all suggest that this variant is likely to be disruptive, but these predictions have not been confirmed by published functional studies and their clinical significance is uncertain. In summary, the available evidence is currently insufficient to determine the role of this variant in disease. Therefore, it has been classified as a Variant of Uncertain Significance.

Genetic Services Laboratory, University of Chicago
Classification: Uncertain significance. Last evaluated: 2016-11-28. Review status: criteria provided, single submitter. Criteria: ACMG Guidelines, 2015. Collection method: clinical testing. Allele origin: germline. Affected: no.